The following is an entry in ClinVar:

NM_201550.4(LRRC10):c.135C>T (p.Pro45=)

Gene: LRRC10 (leucine rich repeat containing 10; minus strand). Cytogenetic location: 12q15.
Variant type: single nucleotide variant.
Coding change: c.135C>T on transcript NM_201550.4 (MANE Select); coding-DNA position 135, C replaced by T.
Protein change: p.Pro45=; no amino-acid change (proline 45 retained).
Molecular consequence: synonymous variant.
Genome position (GRCh38, 1-based): chr12:69,610,704, G>A on the plus strand (C>T on the coding strand, the complement: LRRC10 is on the minus strand). VCF-style: chr12-69610704-G-A. GRCh37 (hg19) VCF-style: chr12-70004484-G-A.
Identifiers: ClinVar variation 2901218 (VCV002901218.3), dbSNP rs778318582, ClinGen allele CA6681131.
Genomic context (GRCh38, chr12:69,610,704, plus strand): 5'-ATTGAGGTGGTTGTCGCTCAGGTAGAGCTTGACCAGCTCCCTGAAGGAGCACACGTGCAG[G>A]GGGAAGCGGCGTAACTGGCTCCCACTCAGATCCACCATCTTGTCCAGCGGCATCTCACGG-3'
Protein context (NP_963844.2, residues 35-55): DLSGSQLRRF[Pro45=]LHVCSFRELV

ClinVar aggregate classification (germline): Uncertain significance (1 of 4 stars; one submission).

Allele frequency attached by ClinVar (database versions not stated): ExAC 0.00001; gnomAD 0.00001.

Submission:

Labcorp Genetics (formerly Invitae), Labcorp
Classification: Uncertain significance. Last evaluated: 2024-12-30. Review status: criteria provided, single submitter. Criteria: Invitae Variant Classification Sherloc (09022015). Collection method: clinical testing. Allele origin: germline.
Comment: This sequence change affects codon 45 of the LRRC10 mRNA. It is a 'silent' change, meaning that it does not change the encoded amino acid sequence of the LRRC10 protein. This variant is not present in population databases (gnomAD no frequency). This variant has not been reported in the literature in individuals affected with LRRC10-related conditions. ClinVar contains an entry for this variant (Variation ID: 2901218). In summary, the available evidence is currently insufficient to determine the role of this variant in disease. Therefore, it has been classified as a Variant of Uncertain Significance.